The following is an entry in ClinVar:

ClinVar aggregate classification (germline): Pathogenic (1 of 4 stars; one submission).

Submission:

GeneDx
Classification: Pathogenic. Last evaluated: 2024-10-08. Review status: criteria provided, single submitter. Criteria: GeneDx Variant Classification Process June 2021. Collection method: clinical testing. Allele origin: germline. Affected: yes.
Comment: Nonsense variant predicted to result in protein truncation or nonsense mediated decay in a gene for which loss of function is a known mechanism of disease; Not observed at significant frequency in large population cohorts (gnomAD); This variant is associated with the following publications: (PMID: 35982159, 33057194)

NM_001197104.2(KMT2A):c.4634G>A (p.Trp1545Ter)

Gene: KMT2A (lysine methyltransferase 2A; plus strand). Cytogenetic location: 11q23.3.
Variant type: single nucleotide variant.
Coding change: c.4634G>A on transcript NM_001197104.2 (MANE Select); coding-DNA position 4634, G replaced by A.
Protein change: p.Trp1545Ter; replaces tryptophan 1545 with a stop codon.
Molecular consequence: nonsense.
Genome position (GRCh38, 1-based): chr11:118,490,187, G>A. VCF-style: chr11-118490187-G-A. GRCh37 (hg19) VCF-style: chr11-118360902-G-A.
Other names: c.4733G>A, p.Trp1578Ter (NM_001412597.1); c.4634G>A, p.Trp1545Ter (NM_005933.4); short protein forms W1545*, W1578*.
Identifiers: ClinVar variation 3777305 (VCV003777305.1).
Genomic context (GRCh38, chr11:118,490,187, plus strand): 5'-AGATCTGTACCAAGTGTGTTCGCTGTAAGAGCTGTGGATCCACAACTCCAGGCAAAGGGT[G>A]GGATGCACAGTGGTCTCATGATTTCTCACTGTGTCATGATTGCGCCAAGCTCTTTGCTAA-3'